The following is an entry in ClinVar:

ClinVar aggregate classification (germline): Conflicting classifications of pathogenicity. Review status: criteria provided, conflicting classifications (1 of 4 stars). 3 submissions from 3 submitters: Uncertain significance (2); Likely benign (1). Last evaluated 2026-03-11.

Conditions:
TRAP1-related disorder. Also called: TRAP1-related condition.

Allele frequency attached by ClinVar (database versions not stated): ESP Exome Variant Server 0.00023; gnomAD exomes 0.00008; TOPMed 0.00018; ExAC 0.00011; gnomAD 0.00015.
gnomAD v4.1: 158 of 1,612,788 alleles (0.0098%); highest among the groups gnomAD compares: Middle Eastern, 0.099%; 2 homozygotes.

Submissions (3):

PreventionGenetics, part of Exact Sciences
Classification: Likely benign for TRAP1-related condition. Last evaluated: 2026-03-11. Review status: criteria provided, single submitter. Criteria: ACMG Guidelines, 2015. Collection method: clinical testing. Allele origin: germline.
Comment: This variant is classified as likely benign based on ACMG/AMP sequence variant interpretation guidelines (Richards et al. 2015 PMID: 25741868, with internal and published modifications).

Labcorp Genetics (formerly Invitae), Labcorp
Classification: Uncertain significance. Last evaluated: 2025-12-19. Review status: criteria provided, single submitter. Criteria: Invitae Variant Classification Sherloc (09022015). Collection method: clinical testing. Allele origin: germline.
Comment: This sequence change replaces alanine, which is neutral and non-polar, with serine, which is neutral and polar, at codon 608 of the TRAP1 protein (p.Ala608Ser). This variant is present in population databases (rs142421032, gnomAD 0.1%), and has an allele count higher than expected for a pathogenic variant. This variant has not been reported in the literature in individuals affected with TRAP1-related conditions. ClinVar contains an entry for this variant (Variation ID: 2196490). Invitae Evidence Modeling of protein sequence and biophysical properties (such as structural, functional, and spatial information, amino acid conservation, physicochemical variation, residue mobility, and thermodynamic stability) indicates that this missense variant is not expected to disrupt TRAP1 protein function with a negative predictive value of 80%. In summary, the available evidence is currently insufficient to determine the role of this variant in disease. Therefore, it has been classified as a Variant of Uncertain Significance.

Ambry Genetics
Classification: Uncertain significance. Last evaluated: 2024-10-20. Review status: criteria provided, single submitter. Criteria: Ambry Variant Classification Scheme 2023. Collection method: clinical testing. Allele origin: germline.

NM_016292.3(TRAP1):c.1822G>T (p.Ala608Ser)

Genes: DNASE1 (deoxyribonuclease 1; plus strand), TRAP1 (TNF receptor associated protein 1; minus strand). Cytogenetic location: 16p13.3.
Variant type: single nucleotide variant.
Coding change: c.1822G>T on transcript NM_016292.3 (MANE Select); coding-DNA position 1822, G replaced by T.
Protein change: p.Ala608Ser; replaces alanine 608 with serine.
Molecular consequence: missense variant. On other transcripts: intron variant (1).
Genome position (GRCh38, 1-based): chr16:3,662,105, C>A on the plus strand (G>T on the coding strand, the complement: TRAP1 is on the minus strand). VCF-style: chr16-3662105-C-A. GRCh37 (hg19) VCF-style: chr16-3712106-C-A.
Other names: c.1663G>T, p.Ala555Ser (NM_001272049.2); c.*22-541C>A (NM_001387140.1); short protein forms A555S, A608S.
Identifiers: ClinVar variation 2196490 (VCV002196490.6), dbSNP rs142421032, ClinGen allele CA7867795.